The following is an entry in ClinVar:

ClinVar aggregate classification (germline): Uncertain significance. Review status: criteria provided, multiple submitters, no conflicts (2 of 4 stars). 2 submissions from 2 submitters: Uncertain significance (2). Last evaluated 2024-09-25.

Conditions:
Hereditary nonpolyposis colorectal neoplasms. Identifiers: MedGen C0009405, MeSH D003123.
Hereditary cancer-predisposing syndrome. Also called: Tumor predisposition; Hereditary neoplastic syndrome; Neoplastic Syndromes, Hereditary; Hereditary Cancer Syndrome. Identifiers: Orphanet 140162, MedGen C0027672, MeSH D009386, MONDO:0015356.

Submissions (2):

Labcorp Genetics (formerly Invitae), Labcorp
Classification: Uncertain significance for Hereditary nonpolyposis colorectal neoplasms. Last evaluated: 2024-09-25. Review status: criteria provided, single submitter. Criteria: Invitae Variant Classification Sherloc (09022015). Collection method: clinical testing. Allele origin: germline.
Comment: This sequence change replaces isoleucine, which is neutral and non-polar, with threonine, which is neutral and polar, at codon 462 of the PMS2 protein (p.Ile462Thr). This variant is not present in population databases (gnomAD no frequency). This variant has not been reported in the literature in individuals affected with PMS2-related conditions. ClinVar contains an entry for this variant (Variation ID: 819056). Invitae Evidence Modeling of protein sequence and biophysical properties (such as structural, functional, and spatial information, amino acid conservation, physicochemical variation, residue mobility, and thermodynamic stability) indicates that this missense variant is not expected to disrupt PMS2 protein function with a negative predictive value of 80%. In summary, the available evidence is currently insufficient to determine the role of this variant in disease. Therefore, it has been classified as a Variant of Uncertain Significance.

Ambry Genetics
Classification: Uncertain significance for Hereditary cancer-predisposing syndrome. Last evaluated: 2024-08-11. Review status: criteria provided, single submitter. Criteria: Ambry Variant Classification Scheme 2023. Collection method: clinical testing. Allele origin: germline.
Comment: The p.I462T variant (also known as c.1385T>C), located in coding exon 11 of the PMS2 gene, results from a T to C substitution at nucleotide position 1385. The isoleucine at codon 462 is replaced by threonine, an amino acid with similar properties. This amino acid position is poorly conserved in available vertebrate species. In addition, this alteration is predicted to be tolerated by in silico analysis. Since supporting evidence is limited at this time, the clinical significance of this alteration remains unclear.

Literature cited by the submitters: PubMed 12851690 (cited by Ambry Genetics).

NM_000535.7(PMS2):c.1385T>C (p.Ile462Thr)

Gene: PMS2 (PMS1 homolog 2, mismatch repair system component; minus strand). Cytogenetic location: 7p22.1.
Variant type: single nucleotide variant.
Coding change: c.1385T>C on transcript NM_000535.7 (MANE Select); coding-DNA position 1385, T replaced by C.
Protein change: p.Ile462Thr; replaces isoleucine 462 with threonine.
Molecular consequence: missense variant. On other transcripts: non-coding transcript variant (1).
Genome position (GRCh38, 1-based): chr7:5,987,380, A>G on the plus strand (T>C on the coding strand, the complement: PMS2 is on the minus strand). VCF-style: chr7-5987380-A-G. GRCh37 (hg19) VCF-style: chr7-6027011-A-G.
Other names: c.980T>C, p.Ile327Thr (NM_001322003.2, NM_001322004.2, NM_001322005.2 and 1 more transcripts); c.1229T>C, p.Ile410Thr (NM_001322006.2); c.1067T>C, p.Ile356Thr (NM_001322007.2, NM_001322008.2); c.824T>C, p.Ile275Thr (NM_001322010.2); c.452T>C, p.Ile151Thr (NM_001322011.2, NM_001322012.2); c.812T>C, p.Ile271Thr (NM_001322013.2); c.1385T>C, p.Ile462Thr (NM_001322014.2); c.1076T>C, p.Ile359Thr (NM_001322015.2); short protein forms I359T, I151T, I275T, I410T, I271T, I356T, I327T, I462T.
Identifiers: ClinVar variation 819056 (VCV000819056.7), dbSNP rs1562633639, ClinGen allele CA366742173.
Genomic context (GRCh38, chr7:5,987,380, plus strand): 5'-CTGGGTCCGTGACTGGAACTCACTGCCTCTTTCTGAGGTCTCAGGACGCCTTTGTCAGAG[A>G]TGGCACCTGAAGTGCTAGAAGACAGCATACCCCTTTTCTGTCCTAGAGGGCTCCTTCTTG-3'
Protein context (NP_000526.2, residues 452-472): GMLSSSTSGA[Ile462Thr]SDKGVLRPQK